The following is an entry in ClinVar:

NM_000020.3(ACVRL1):c.703del (p.Asp235fs)

Gene: ACVRL1 (activin A receptor like type 1; plus strand). Cytogenetic location: 12q13.13.
Variant type: Deletion.
Coding change: c.703del on transcript NM_000020.3 (MANE Select); coding-DNA position 703, one base deleted (G; older notation c.703delG).
Protein change: p.Asp235fs; shifts the reading frame from aspartic acid 235.
Molecular consequence: frameshift variant.
Genome position (GRCh38, 1-based): chr12:51,914,516, G deleted; the last of 3 consecutive G bases (chr12:51,914,514-51,914,516); deleting any one gives the same sequence. VCF-style (leftmost placement, unchanged base first): chr12-51914513-AG-A. GRCh37 (hg19) VCF-style: chr12-52308297-AG-A.
Other names: c.703del, p.Asp235fs (NM_001077401.2); c.703delG, p.Asp235Metfs (NM_001406487.1, NM_001406488.1, NM_001406489.1); c.391delG, p.Asp131Metfs (NM_001406490.1, NM_001406491.1, NM_001406492.1 and 2 more transcripts); c.139delG, p.Asp47Metfs (NM_001406495.1); short protein forms D235fs.
Identifiers: ClinVar variation 1756828 (VCV001756828.5), dbSNP rs2540162715, ClinGen allele CA2580086471.
Genomic context (GRCh38, chr12:51,914,513, plus strand): 5'-GGCGAAGTGTGGCGGGGCTTGTGGCACGGTGAGAGTGTGGCCGTCAAGATCTTCTCCTCG[AG>A]GGATGAACAGTCCTGGTTCCGGGAGACTGAGATCTATAACACAGTGTTGCTCAGACACGA-3'

ClinVar aggregate classification (germline): Pathogenic. Review status: criteria provided, multiple submitters, no conflicts (2 of 4 stars). 2 submissions from 2 submitters: Pathogenic (2). Last evaluated 2023-05-30.

Conditions:
Telangiectasia, hereditary hemorrhagic, type 2 (HHT2). Also called: ACVRL1-Related Hereditary Hemorrhagic Telangiectasia; Telangiectasia, hereditary hemorrhagic, type II. Identifiers: Orphanet 774, MedGen C1838163, MONDO:0010880, OMIM 600376. Disease mechanism: loss of function.
Cardiovascular phenotype. Identifiers: MedGen CN230736.

Submissions (2):

Labcorp Genetics (formerly Invitae), Labcorp
Classification: Pathogenic for Telangiectasia, hereditary hemorrhagic, type 2. Last evaluated: 2023-05-30. Review status: criteria provided, single submitter. Criteria: Invitae Variant Classification Sherloc (09022015). Collection method: clinical testing. Allele origin: germline.
Comment: For these reasons, this variant has been classified as Pathogenic. ClinVar contains an entry for this variant (Variation ID: 1756828). This variant has not been reported in the literature in individuals affected with ACVRL1-related conditions. This variant is not present in population databases (gnomAD no frequency). This sequence change creates a premature translational stop signal (p.Asp235Metfs*23) in the ACVRL1 gene. It is expected to result in an absent or disrupted protein product. Loss-of-function variants in ACVRL1 are known to be pathogenic (PMID: 15879500).

Ambry Genetics
Classification: Pathogenic for Cardiovascular phenotype. Last evaluated: 2016-03-08. Review status: criteria provided, single submitter. Criteria: Ambry Variant Classification Scheme 2023. Collection method: clinical testing. Allele origin: germline.
Comment: The c.703delG pathogenic mutation, located in coding exon 5 of the ACVRL1 gene, results from a deletion of one nucleotide at nucleotide position 703, causing a translational frameshift with a predicted alternate stop codon (p.D235Mfs*23). Since frameshifts are typically deleterious in nature, this alteration is interpreted as a disease-causing mutation (ACMG Recommendations for Standards for Interpretation and Reporting of Sequence Variations. Revision 2007. Genet Med. 2008;10:294).

Literature cited by the submitters: PubMed 15879500 (cited by Labcorp Genetics (formerly Invitae), Labcorp).